The following is an entry in ClinVar:

ClinVar aggregate classification (germline): Benign/Likely benign. Review status: criteria provided, multiple submitters, no conflicts (2 of 4 stars). 7 submissions from 6 submitters: Benign (5); Likely benign (2). Last evaluated 2026-01-25.

Conditions:
Cutis laxa, autosomal dominant 1 (ADCL1). Also called: ELN-Related Cutis Laxa. Identifiers: Orphanet 90348, MedGen C3276539, MONDO:0007411, OMIM 123700. Disease mechanism: Dominant Negative.
Supravalvar aortic stenosis (SVAS). Also called: Supravalvar aortic stenosis, Eisenberg type. Identifiers: Orphanet 3193, MedGen C0003499, MONDO:0008504, OMIM 185500, HP:0004381.

Allele frequency attached by ClinVar (database versions not stated): gnomAD exomes 0.00054 and 0.00122; ExAC 0.00145; 1000 Genomes Project 0.00419; gnomAD 0.00474 and 0.00505; ESP Exome Variant Server 0.00485; 1000 Genomes Project 30x 0.00547; TOPMed 0.00571.
gnomAD v4.1: 1,541 of 1,613,616 alleles (0.095%); highest among the groups gnomAD compares: African/African-American, 1.7%; 13 homozygotes.

Submissions (7):

Labcorp Genetics (formerly Invitae), Labcorp
Classification: Benign for Supravalvar aortic stenosis. Last evaluated: 2026-01-25. Review status: criteria provided, single submitter. Criteria: Invitae Variant Classification Sherloc (09022015). Collection method: clinical testing. Allele origin: germline.

Molecular Diagnostic Laboratory for Inherited Cardiovascular Disease, Montreal Heart Institute
Classification: Likely benign. Last evaluated: 2025-04-09. Review status: criteria provided, single submitter. Criteria: ACMG Guidelines, 2015. Collection method: clinical testing. Allele origin: germline. Affected: no.
Comment: BS1;BP6

Blueprint Genetics
Classification: Likely benign. Last evaluated: 2024-08-22. Review status: criteria provided, single submitter. Criteria: ACMG Guidelines, 2015. Collection method: clinical testing. Allele origin: germline.

GeneDx
Classification: Benign. Last evaluated: 2018-06-13. Review status: criteria provided, single submitter. Criteria: GeneDx Variant Classification (06012015). Collection method: clinical testing. Allele origin: germline. Affected: yes.
Comment: This variant is considered likely benign or benign based on one or more of the following criteria: it is a conservative change, it occurs at a poorly conserved position in the protein, it is predicted to be benign by multiple in silico algorithms, and/or has population frequency not consistent with disease.

Illumina Laboratory Services, Illumina
Classification: Benign for Cutis laxa, autosomal dominant 1. Last evaluated: 2017-04-28. Review status: criteria provided, single submitter. Criteria: ICSL Variant Classification Criteria 13 December 2019. Collection method: clinical testing. Allele origin: germline.
Comment: This variant was observed as part of a predisposition screen in an ostensibly healthy population. A literature search was performed for the gene, cDNA change, and amino acid change (where applicable). Publications were found based on this search. The evidence from the literature, in combination with allele frequency data from public databases where available, was sufficient to rule this variant out of causing disease. Therefore, this variant is classified as benign.

Illumina Laboratory Services, Illumina
Classification: Benign for Supravalvar aortic stenosis. Last evaluated: 2017-04-28. Review status: criteria provided, single submitter. Criteria: ICSL Variant Classification Criteria 13 December 2019. Collection method: clinical testing. Allele origin: germline.
Comment: the same text as in the submission from Illumina Laboratory Services, Illumina above.

Breakthrough Genomics
Classification: Benign. Review status: criteria provided, single submitter. Criteria: ACMG Guidelines, 2015. Collection method: not provided. Allele origin: germline. Inheritance: Autosomal dominant inheritance. Affected: yes.

Literature cited by the submitters: PubMed 19282817 (cited by Illumina Laboratory Services, Illumina); PubMed 23049958 (cited by Illumina Laboratory Services, Illumina).

NM_000501.4(ELN):c.1388A>G (p.Lys463Arg)

Gene: ELN (elastin; plus strand). Cytogenetic location: 7q11.23.
Variant type: single nucleotide variant.
Coding change: c.1388A>G on transcript NM_000501.4 (MANE Select); coding-DNA position 1388, A replaced by G.
Protein change: p.Lys463Arg; replaces lysine 463 with arginine.
Molecular consequence: missense variant. On other transcripts: intron variant (7).
Genome position (GRCh38, 1-based): chr7:74,057,670, A>G. VCF-style: chr7-74057670-A-G. GRCh37 (hg19) VCF-style: chr7-73472000-A-G.
Other names: c.1403A>G, p.Lys468Arg (NM_001081754.3); c.1388A>G, p.Lys463Arg (NM_001278912.2, NM_001278915.2); c.1358A>G, p.Lys453Arg (NM_001278917.2); c.1475A>G, p.Lys492Arg (NM_001278939.2); c.1372+957A>G (NM_001081753.3); c.1357+957A>G (NM_001081755.3); c.1315+957A>G (NM_001278916.2); c.1171+957A>G (NM_001278913.2); and 3 more; short protein forms K463R, K492R, K453R, K468R.
Identifiers: ClinVar variation 416912 (VCV000416912.19), dbSNP rs34945509, ClinGen allele CA4293013.